The following is an entry in ClinVar:

ClinVar aggregate classification (germline): Pathogenic. Review status: reviewed by expert panel (3 of 4 stars). 41 submissions from 40 submitters: Pathogenic (1). 40 of the submissions do not count toward it. Last evaluated 2015-08-10.

Conditions:
Inherited breast cancer and ovarian cancer.
BRCA1-related cancer predisposition. Identifiers: MedGen CN377757, MONDO:0700268.
BRCA1-related disorder. Also called: BRCA1-related condition.
Breast and/or ovarian cancer. Identifiers: MedGen CN221562.
Hereditary cancer-predisposing syndrome. Also called: Hereditary Cancer Syndrome; Neoplastic Syndromes, Hereditary; Hereditary neoplastic syndrome; Tumor predisposition. Identifiers: Orphanet 140162, MedGen C0027672, MeSH D009386, MONDO:0015356.
Breast neoplasm. Also called: Neoplasm of the breast; Breast Neoplasms; Neoplasm of breast; Breast tumor. Identifiers: MedGen C1458155, MeSH D001943, MONDO:0021100, HP:0100013. Disease mechanism: gain of function.
Hereditary breast ovarian cancer syndrome. Also called: Breast and ovarian cancer; Hereditary breast and ovarian cancer syndrome; Hereditary breast and ovarian cancer syndrome (HBOC); BRCA1- and BRCA2-Associated Hereditary Breast and Ovarian Cancer; Hereditary breast and ovarian cancer; Hereditary breast and/or ovarian cancer syndrome. Identifiers: Orphanet 145, MedGen C0677776, MeSH D061325, MONDO:0003582. Disease mechanism: loss of function.
Breast-ovarian cancer, familial, susceptibility to, 1 (BROVCA1). Also called: BRCA1 Hereditary Breast and Ovarian Cancer; OVARIAN CANCER, SUSCEPTIBILITY TO. Identifiers: Orphanet 145, MedGen C2676676, MONDO:0011450, OMIM 604370. Disease mechanism: loss of function.
Breast carcinoma. Also called: Carcinoma of breast. Identifiers: MedGen C0678222, MONDO:0004989, HP:0003002.
Familial cancer of breast. Also called: hereditary breast carcinoma; Hereditary breast cancer; BREAST CANCER, FAMILIAL. Identifiers: Orphanet 227535, MedGen C0346153, MONDO:0016419, OMIM 114480. Disease mechanism: loss of function.

gnomAD v4.1: 7 of 1,613,898 alleles (0.00043%); highest among the groups gnomAD compares: Admixed American, 0.0033%; no homozygotes.

Submissions 1 to 9 of 42:

Evidence-based Network for the Interpretation of Germline Mutant Alleles (ENIGMA)
Classification: Pathogenic for Breast-ovarian cancer, familial 1. Last evaluated: 2015-08-10. Review status: reviewed by expert panel. Criteria: ENIGMA BRCA1/2 Classification Criteria (2015). Collection method: curation. Allele origin: germline.
Comment: IARC class based on posterior probability from multifactorial likelihood analysis, thresholds for class as per Plon et al. 2008 (PMID: 18951446). Class 5 based on posterior probability = 1

Genetics Laboratory, Great Ormond Street Hospital NHS Foundation Trust, North Thames Genomic Laboratory Hub
Classification: Pathogenic for Inherited breast cancer and ovarian cancer. Last evaluated: 2026-07-24. Review status: criteria provided, single submitter. Criteria: CanVIG BRCA Gene Specific V1.22. Collection method: clinical testing. Allele origin: germline. Affected: yes. Not counted in ClinVar's aggregate classification.
Comment: PS4_very-strong, PP3_supporting, PS3_strong, PP4_very-strong

Hema, HEMA – Genetic and Molecular Diagnostic Laboratory
Classification: Pathogenic for BRCA1-related cancer predisposition. Last evaluated: 2026-07-16. Review status: criteria provided, single submitter. Criteria: HEMA Variant Classification Assertion Criteria. Collection method: clinical testing. Allele origin: germline. Not counted in ClinVar's aggregate classification.
Comment: The c.5123C>A p.Ala1708Glu variant is a transversion from guanine to thymine that results in the substitution of an alanine by glutamic acid in the BRCT domain and affects splicing of BRCA1. PS3: In a functional study that includes the effect on splicing, it was observed that the variant affects the function of BRCA1 (PMID: 30209399). PP1_Moderate: The variant cosegregated with breast/ovarian cancer in 4 families (LR = 4.470 ≥ 4.3) (PMID: 18036263). PP3: According to the splicing predictor SpliceAI, the variant alters splicing (loss of acceptor score = 0.22 ≥ 0.2). PP4_VeryStrong: The multifactorial likelihood ratio analysis using clinically calibrated data produced a combined LR for this variant of 2.09E+12 ≥ 350 (based on co-occurrence LR = 12.59; family history LR = 1.66E+11) (PMID: 17924331).

PreventionGenetics, part of Exact Sciences
Classification: Pathogenic for BRCA1-related condition. Last evaluated: 2026-06-18. Review status: criteria provided, single submitter. Criteria: ACMG Guidelines, 2015. Collection method: clinical testing. Allele origin: germline. Not counted in ClinVar's aggregate classification.
Comment: The BRCA1 c.5123C>A variant is predicted to result in the amino acid substitution p.Ala1708Glu. This variant (also known as c.5242C>A) has been reported in numerous families of Spanish origin with a history of breast and ovarian cancer (de Juan Jiménez et al. 2013. PubMed ID: 23479189; Janavicius 2010. PubMed ID: 23199084; Table 2, Díez et al. 2003. PubMed ID: 12955716). Functional studies have also reported that this variant impacts protein stability (Rowling et al. 2010. PubMed ID: 20378548) and results in skipping of exon 18 (Millevoi et al. 2010. PubMed ID: 19404736). This variant is reported in 0.0058% of alleles in individuals of Latino descent in gnomAD. In ClinVar, it is reported as pathogenic by several laboratories (Variation ID: 55407﻿). This variant is interpreted as pathogenic.

Labcorp Genetics (formerly Invitae), Labcorp
Classification: Pathogenic for Hereditary breast ovarian cancer syndrome. Last evaluated: 2026-01-22. Review status: criteria provided, single submitter. Criteria: Invitae Variant Classification Sherloc (09022015). Collection method: clinical testing. Allele origin: germline. Not counted in ClinVar's aggregate classification.
Comment: This sequence change replaces alanine, which is neutral and non-polar, with glutamic acid, which is acidic and polar, at codon 1708 of the BRCA1 protein (p.Ala1708Glu). This variant is present in population databases (rs28897696, gnomAD 0.006%). This missense change has been observed in individual(s) with breast and ovarian cancer (PMID: 15923272, 17080309, 19404736, 21063910). It has also been observed to segregate with disease in related individuals. This variant is also known as 5242C>A. ClinVar contains an entry for this variant (Variation ID: 55407). Invitae Evidence Modeling incorporating data from in vitro experimental studies (PMID: 30209399) indicates that this missense variant is expected to disrupt BRCA1 function with a positive predictive value of 95%. Experimental studies have shown that this missense change affects BRCA1 function (PMID: 11157798, 15923272, 17305420, 19770520, 20516115, 25748678). RNA analysis performed to evaluate the impact of this missense change on mRNA splicing indicates it does not significantly alter splicing (internal data). For these reasons, this variant has been classified as Pathogenic.

Dasa
Classification: Pathogenic for Breast-ovarian cancer, familial, susceptibility to, 1. Last evaluated: 2025-11-05. Review status: criteria provided, single submitter. Criteria: DASA Assertion Criteria. Collection method: clinical testing. Allele origin: germline. Not counted in ClinVar's aggregate classification.
Comment: NM_007294.4(BRCA1):c.5123C>A (p.Ala1708Glu) is a missense variant that results in the substitution of alanine with glutamic acid. Functional evidence supports a deleterious effect on the gene or gene product (PMID: 30209399; PMID: 30257991; PMID: 30765603; PMID: 32546644; PMID: 15923272). This variant has been recurrently observed in individuals with Breast-ovarian cancer, familial, susceptibility to, 1 (PMID: 30209399; PMID: 30257991; PMID: 30765603; PMID: 32546644; PMID: 15923272). Segregation evidence has been reported in affected families. Multiple computational predictions support a deleterious effect on the gene or gene product. The variant is present at low frequency in population datasets. Based on the available data, this variant is classified as pathogenic.

Institute of Human Genetics, University of Leipzig Medical Center
Classification: Pathogenic for Breast-ovarian cancer, familial, susceptibility to, 1. Last evaluated: 2025-10-02. Review status: criteria provided, single submitter. Criteria: ACMG Guidelines, 2015. Collection method: clinical testing. Allele origin: unknown. Inheritance: Autosomal dominant inheritance. Affected: yes. Not counted in ClinVar's aggregate classification.
Comment: Criteria applied: PP4_VSTR,PS3,PP1_MOD

CeGaT Center for Human Genetics Tuebingen
Classification: Pathogenic. Last evaluated: 2025-10-01. Review status: criteria provided, single submitter. Criteria: CeGaT Center For Human Genetics Tuebingen Variant Classification Criteria Version 2. Collection method: clinical testing. Allele origin: germline. Affected: yes. Observed: 1 variant allele. Not counted in ClinVar's aggregate classification.
Comment: BRCA1: PS3, PS4, PP1:Moderate, PM2:Supporting

Mayo Clinic Laboratories, Mayo Clinic
Classification: Pathogenic. Last evaluated: 2025-04-10. Review status: criteria provided, single submitter. Criteria: ACMG Guidelines, 2015. Collection method: clinical testing. Allele origin: germline. Observed: 2 variant alleles. Not counted in ClinVar's aggregate classification.
Comment: PP3, PP4_very_strong, PS3

NM_007294.4(BRCA1):c.5123C>A (p.Ala1708Glu)

Gene: BRCA1 (BRCA1 DNA repair associated; minus strand). Cytogenetic location: 17q21.31.
Variant type: single nucleotide variant.
Coding change: c.5123C>A on transcript NM_007294.4 (MANE Select); coding-DNA position 5123, C replaced by A.
Protein change: p.Ala1708Glu; replaces alanine 1708 with glutamic acid.
Molecular consequence: missense variant. On other transcripts: non-coding transcript variant (1).
Genome position (GRCh38, 1-based): chr17:43,063,903, G>T on the plus strand (C>A on the coding strand, the complement: BRCA1 is on the minus strand). VCF-style: chr17-43063903-G-T. GRCh37 (hg19) VCF-style: chr17-41215920-G-T.
Other names: p.A1708E:GCG>GAG; 5242C>A; c.4910C>A, p.Ala1637Glu (NM_001407571.1, NM_001407902.1, NM_001407904.1 and 12 more transcripts); c.5189C>A, p.Ala1730Glu (NM_001407581.1, NM_001407582.1); c.5186C>A, p.Ala1729Glu (NM_001407583.1, NM_001407585.1, NM_001407587.1 and 1 more transcripts); c.5183C>A, p.Ala1728Glu (NM_001407590.1, NM_001407591.1); c.5123C>A, p.Ala1708Glu (NM_001407593.1, NM_001407594.1, NM_001407596.1 and 7 more transcripts); c.5120C>A, p.Ala1707Glu (NM_001407610.1, NM_001407611.1, NM_001407612.1 and 17 more transcripts); and 73 more; short protein forms A1708E, A1661E, A1729E, A604E, A1580E, A1618E, A1619E, A1638E.
Identifiers: ClinVar variation 55407 (VCV000055407.72), dbSNP rs28897696, ClinGen allele CA003252.